The following is an entry in ClinVar:

NM_022114.4(PRDM16):c.1844T>C (p.Leu615Pro)

Gene: PRDM16 (PR/SET domain 16; plus strand). Cytogenetic location: 1p36.32.
Variant type: single nucleotide variant.
Coding change: c.1844T>C on transcript NM_022114.4 (MANE Select); coding-DNA position 1844, T replaced by C.
Protein change: p.Leu615Pro; replaces leucine 615 with proline.
Molecular consequence: missense variant.
Genome position (GRCh38, 1-based): chr1:3,412,041, T>C. VCF-style: chr1-3412041-T-C. GRCh37 (hg19) VCF-style: chr1-3328605-T-C.
Other names: c.1844T>C, p.Leu615Pro (NM_199454.3); short protein forms L615P.
Identifiers: ClinVar variation 4976395 (VCV004976395.1).

ClinVar aggregate classification (germline): Uncertain significance (1 of 4 stars; one submission).

Submission:

GeneDx
Classification: Uncertain significance. Last evaluated: 2026-02-25. Review status: criteria provided, single submitter. Criteria: GeneDx Variant Classification Process June 2021. Collection method: clinical testing. Allele origin: germline.
Comment: Not observed at significant frequency in large population cohorts (gnomAD); In silico analysis supports that this missense variant has a deleterious effect on protein structure/function; Has not been previously published as pathogenic or benign to our knowledge